The following is an entry in ClinVar:

NM_005045.4(RELN):c.7386_7387delinsAA (p.Pro2463Thr)

Gene: RELN (reelin; minus strand). Cytogenetic location: 7q22.1.
Variant type: Indel.
Coding change: c.7386_7387delinsAA on transcript NM_005045.4 (MANE Select); coding-DNA positions 7386 to 7387, TC replaced by AA.
Protein change: p.Pro2463Thr; replaces proline 2463 with threonine.
Molecular consequence: missense variant.
Genome position (GRCh38, 1-based): chr7:103,523,494-103,523,495, GA replaced by TT on the plus strand (TC replaced by AA on the coding strand, the reverse complement: RELN is on the minus strand). VCF-style: chr7-103523494-GA-TT. GRCh37 (hg19) VCF-style: chr7-103163941-GA-TT.
Other names: c.7386_7387delinsAA, p.Pro2463Thr (NM_173054.3); short protein forms P2463T.
Identifiers: ClinVar variation 2948042 (VCV002948042.3), dbSNP rs2484756276, ClinGen allele CA2740097463.

ClinVar aggregate classification (germline): Uncertain significance (1 of 4 stars; one submission).

Conditions:
Familial temporal lobe epilepsy 7. Identifiers: Orphanet 101046, MedGen C4225327, MONDO:0014639, OMIM 616436.
Norman-Roberts syndrome (LIS2). Also called: Lissencephaly 2 (Norman-Roberts type). Identifiers: Orphanet 89844, MedGen C0796089, MONDO:0009760, OMIM 257320.

Submission:

Labcorp Genetics (formerly Invitae), Labcorp
Classification: Uncertain significance for Familial temporal lobe epilepsy 7; Norman-Roberts syndrome. Last evaluated: 2023-12-12. Review status: criteria provided, single submitter. Criteria: Invitae Variant Classification Sherloc (09022015). Collection method: clinical testing. Allele origin: germline.
Comment: This sequence change replaces proline, which is neutral and non-polar, with threonine, which is neutral and polar, at codon 2463 of the RELN protein (p.Pro2463Thr). Information on the frequency of this variant in the gnomAD database is not available, as this variant may be reported differently in the database. This variant has not been reported in the literature in individuals affected with RELN-related conditions. Experimental studies and prediction algorithms are not available or were not evaluated, and the functional significance of this variant is currently unknown. In summary, the available evidence is currently insufficient to determine the role of this variant in disease. Therefore, it has been classified as a Variant of Uncertain Significance.